The following is an entry in ClinVar:

ClinVar aggregate classification (germline): Uncertain significance (1 of 4 stars; one submission).

Submission:

CeGaT Center for Human Genetics Tuebingen
Classification: Uncertain significance. Last evaluated: 2022-06-01. Review status: criteria provided, single submitter. Criteria: CeGaT Center For Human Genetics Tuebingen Variant Classification Criteria Version 2. Collection method: clinical testing. Allele origin: germline. Affected: yes. Observed: 1 variant allele.
Comment: SHANK2: PM2

NM_012309.5(SHANK2):c.1306T>G (p.Cys436Gly)

Gene: SHANK2 (SH3 and multiple ankyrin repeat domains 2; minus strand). Cytogenetic location: 11q13.4.
Variant type: single nucleotide variant.
Coding change: c.1306T>G on transcript NM_012309.5 (MANE Select); coding-DNA position 1306, T replaced by G.
Protein change: p.Cys436Gly; replaces cysteine 436 with glycine.
Molecular consequence: missense variant.
Genome position (GRCh38, 1-based): chr11:70,820,551, A>C on the plus strand (T>G on the coding strand, the complement: SHANK2 is on the minus strand). VCF-style: chr11-70820551-A-C. GRCh37 (hg19) VCF-style: chr11-70666656-A-C.
Other names: c.169T>G, p.Cys57Gly (NM_001379226.1); short protein forms C436G, C57G.
Identifiers: ClinVar variation 2642096 (VCV002642096.24), dbSNP rs781944963, ClinGen allele CA381959158.
Genomic context (GRCh38, chr11:70,820,551, plus strand): 5'-TGCTGGGCATCTGCTGCAGCAGCTGGGGTGACAGGCTGCGGTGCGAGGTGGCCGTGGAGC[A>C]GACGGCCCAGTCGGGAGCGCTGGCATTGAGGTTGTTGTCACTGTTGGAGCGCAGCAGGAC-3'
Protein context (NP_036441.2, residues 426-446): LNASAPDWAV[Cys436Gly]STATSHRSLS